The following is an entry in ClinVar:

NM_005629.4(SLC6A8):c.786C>G (p.Tyr262Ter)

Gene: SLC6A8 (solute carrier family 6 member 8; plus strand). Cytogenetic location: Xq28.
Variant type: single nucleotide variant.
Coding change: c.786C>G on transcript NM_005629.4 (MANE Select); coding-DNA position 786, C replaced by G.
Protein change: p.Tyr262Ter; replaces tyrosine 262 with a stop codon.
Molecular consequence: nonsense.
Genome position (GRCh38, 1-based): chrX:153,693,049, C>G. VCF-style: chrX-153693049-C-G. GRCh37 (hg19) VCF-style: chrX-152958504-C-G.
Other names: NM_001142805.2:c.786C>G; c.786C>G, p.Tyr262Ter (NM_001142805.2); c.441C>G, p.Tyr147Ter (NM_001142806.1); short protein forms Y147*, Y262*.
Identifiers: ClinVar variation 3066423 (VCV003066423.1), dbSNP rs1557044940, ClinGen allele CA415083182.

ClinVar aggregate classification (germline): Pathogenic (3 of 4 stars; one submission).

Conditions:
Creatine transporter deficiency (CCDS1). Also called: Mental retardation , X-linked with seizures, short stature and midface hypoplasia; Mental retardation , X-linked, with creatine transport deficiency; X-linked creatine transporter deficiency; X-linked creatine deficiency syndrome; SLC6A8-Related Creatine Transporter Deficiency; CREATINE TRANSPORTER DEFECT. Identifiers: Orphanet 52503, MedGen C1845862, MONDO:0010305, OMIM 300352.

Submission:

ClinGen Cerebral Creatine Deficiency Syndromes Variant Curation Expert Panel, ClinGen
Classification: Pathogenic for Creatine transporter deficiency. Last evaluated: 2024-03-25. Review status: reviewed by expert panel. Criteria: ClinGen_CCDS_ACMG_Specifications_SLC6A8_v1.1. Collection method: curation. Allele origin: germline. Inheritance: X-linked inheritance.
Comment: The NM_005629.4:c.786C>G variant in SLC6A8 is a nonsense variant predicted to cause a premature stop codon in biologically relevant exon 5/13 (p.Tyr262Ter) leading to nonsense mediated decay in a gene in which loss-of-function is an established disease mechanism (PVS1). This variant has been previously reported in at least one male individual with elevated urinary creatine/creatinine, severely decreased creatine peak on brain MRS (PP4_Strong) (PMID: 12536364, PMID: 12889669). The variant is absent in gnomAD v2.1.1. (PM2_Supporting). In summary, this variant meets criteria to be classified as pathogenic for creatine transporter deficiency. SLC6A8-specific criteria applied, as specified by the ClinGen CCDS VCEP (Specifications Version 1.1.0): PVS1, PM2_Supporting, PP4_Strong. (Classification approved by the ClinGen CCDS VCEP on March 25, 2024).